The following is an entry in ClinVar:

NM_003590.5(CUL3):c.932A>G (p.Lys311Arg)

Gene: CUL3 (cullin 3; minus strand). Cytogenetic location: 2q36.2.
Variant type: single nucleotide variant.
Coding change: c.932A>G on transcript NM_003590.5 (MANE Select); coding-DNA position 932, A replaced by G.
Protein change: p.Lys311Arg; replaces lysine 311 with arginine.
Molecular consequence: missense variant.
Genome position (GRCh38, 1-based): chr2:224,506,955, T>C on the plus strand (A>G on the coding strand, the complement: CUL3 is on the minus strand). VCF-style: chr2-224506955-T-C. GRCh37 (hg19) VCF-style: chr2-225371672-T-C.
Other names: c.734A>G, p.Lys245Arg (NM_001257197.2); c.950A>G, p.Lys317Arg (NM_001257198.2); short protein forms K317R, K245R, K311R.
Identifiers: ClinVar variation 1941652 (VCV001941652.5), dbSNP rs2469984576, ClinGen allele CA350829313.

ClinVar aggregate classification (germline): Uncertain significance (1 of 4 stars; one submission).

Allele frequency attached by ClinVar (database versions not stated): gnomAD exomes below 0.00001.
gnomAD v4.1: 1 of 1,613,638 alleles (0.000062%); highest among the groups gnomAD compares: Non-Finnish European, 0.000085%; no homozygotes.

Submission:

Labcorp Genetics (formerly Invitae), Labcorp
Classification: Uncertain significance. Last evaluated: 2022-08-23. Review status: criteria provided, single submitter. Criteria: Invitae Variant Classification Sherloc (09022015). Collection method: clinical testing. Allele origin: germline.
Comment: This sequence change replaces lysine, which is basic and polar, with arginine, which is basic and polar, at codon 311 of the CUL3 protein (p.Lys311Arg). This variant is not present in population databases (gnomAD no frequency). This variant has not been reported in the literature in individuals affected with CUL3-related conditions. Algorithms developed to predict the effect of missense changes on protein structure and function (SIFT, PolyPhen-2, Align-GVGD) all suggest that this variant is likely to be tolerated. In summary, the available evidence is currently insufficient to determine the role of this variant in disease. Therefore, it has been classified as a Variant of Uncertain Significance.